The following is an entry in ClinVar:

NM_001197104.2(KMT2A):c.9668A>T (p.Lys3223Ile)

Gene: KMT2A (lysine methyltransferase 2A; plus strand). Cytogenetic location: 11q23.3.
Variant type: single nucleotide variant.
Coding change: c.9668A>T on transcript NM_001197104.2 (MANE Select); coding-DNA position 9668, A replaced by T.
Protein change: p.Lys3223Ile; replaces lysine 3223 with isoleucine.
Molecular consequence: missense variant.
Genome position (GRCh38, 1-based): chr11:118,505,560, A>T. VCF-style: chr11-118505560-A-T. GRCh37 (hg19) VCF-style: chr11-118376275-A-T.
Other names: c.9758A>T, p.Lys3253Ile (NM_001412597.1); c.9659A>T, p.Lys3220Ile (NM_005933.4); short protein forms K3223I, K3220I, K3253I.
Identifiers: ClinVar variation 1904958 (VCV001904958.5), dbSNP rs782738899, ClinGen allele CA6304627.

ClinVar aggregate classification (germline): Uncertain significance (1 of 4 stars; one submission).

Allele frequency attached by ClinVar (database versions not stated): gnomAD 0.00003; TOPMed 0.00003.
gnomAD v4.1: 55 of 1,614,050 alleles (0.0034%); highest among the groups gnomAD compares: Non-Finnish European, 0.0045%; 1 homozygote.

Submission:

Labcorp Genetics (formerly Invitae), Labcorp
Classification: Uncertain significance. Last evaluated: 2025-06-06. Review status: criteria provided, single submitter. Criteria: Invitae Variant Classification Sherloc (09022015). Collection method: clinical testing. Allele origin: germline.
Comment: This sequence change replaces lysine, which is basic and polar, with isoleucine, which is neutral and non-polar, at codon 3223 of the KMT2A protein (p.Lys3223Ile). This variant is present in population databases (rs782738899, gnomAD 0.004%). This variant has not been reported in the literature in individuals affected with KMT2A-related conditions. ClinVar contains an entry for this variant (Variation ID: 1904958). Invitae Evidence Modeling of protein sequence and biophysical properties (such as structural, functional, and spatial information, amino acid conservation, physicochemical variation, residue mobility, and thermodynamic stability) has been performed for this missense variant. However, the output from this modeling did not meet the statistical confidence thresholds required to predict the impact of this variant on KMT2A protein function. In summary, the available evidence is currently insufficient to determine the role of this variant in disease. Therefore, it has been classified as a Variant of Uncertain Significance.